The following is an entry in ClinVar:

ClinVar aggregate classification (germline): Likely benign. Review status: criteria provided, multiple submitters, no conflicts (2 of 4 stars). 3 submissions from 3 submitters: Likely benign (3). Last evaluated 2025-03-20.

Conditions:
Juvenile polyposis syndrome (JPS). Identifiers: Orphanet 2929, MedGen C0345893, MONDO:0017380, OMIM 174900.
Hereditary cancer-predisposing syndrome. Also called: Neoplastic Syndromes, Hereditary; Hereditary neoplastic syndrome; Tumor predisposition; Hereditary Cancer Syndrome. Identifiers: Orphanet 140162, MedGen C0027672, MeSH D009386, MONDO:0015356.
Juvenile polyposis/hereditary hemorrhagic telangiectasia syndrome (JPHT). Also called: POLYPOSIS, GENERALIZED JUVENILE, WITH PULMONARY ARTERIOVENOUS MALFORMATION; TELANGIECTASIA, HEREDITARY HEMORRHAGIC, WITH JUVENILE POLYPOSIS COLI; Juvenile Polyposis Syndrome / Hereditary Hemorrhagic Telangiectasia (JPS/HHT); JP/HHT SYNDROME; JUVENILE POLYPOSIS WITH HEREDITARY HEMORRHAGIC TELANGIECTASIA. Identifiers: Orphanet 2929, MedGen C1832942, MONDO:0008278, OMIM 175050.

Allele frequency attached by ClinVar (database versions not stated): gnomAD exomes below 0.00001.
gnomAD v4.1: 1 of 1,609,926 alleles (0.000062%); highest among the groups gnomAD compares: Non-Finnish European, 0.000085%; no homozygotes.

Submissions (3):

Myriad Genetics, Inc.
Classification: Likely benign for Juvenile polyposis/hereditary hemorrhagic telangiectasia syndrome. Last evaluated: 2025-03-20. Review status: criteria provided, single submitter. Criteria: Myriad Autosomal Dominant, Autosomal Recessive and X-Linked Classification Criteria (2023). Collection method: clinical testing. Allele origin: unknown.
Comment: This variant is considered likely benign. This variant is intronic and is not expected to impact mRNA splicing.

Labcorp Genetics (formerly Invitae), Labcorp
Classification: Likely benign for Juvenile polyposis syndrome. Last evaluated: 2024-11-24. Review status: criteria provided, single submitter. Criteria: Invitae Variant Classification Sherloc (09022015). Collection method: clinical testing. Allele origin: germline.

Color Diagnostics, LLC DBA Color Health
Classification: Likely benign for Hereditary cancer-predisposing syndrome. Last evaluated: 2019-09-09. Review status: criteria provided, single submitter. Criteria: ACMG Guidelines, 2015. Collection method: clinical testing. Allele origin: germline.

NM_005359.6(SMAD4):c.788-19T>C

Gene: SMAD4 (SMAD family member 4; plus strand). Cytogenetic location: 18q21.2.
Variant type: single nucleotide variant.
Coding change: c.788-19T>C on transcript NM_005359.6 (MANE Select); 19 bases into the intron before coding-DNA position 788, T replaced by C.
Molecular consequence: intron variant.
Genome position (GRCh38, 1-based): chr18:51,058,321, T>C. VCF-style: chr18-51058321-T-C. GRCh37 (hg19) VCF-style: chr18-48584691-T-C.
Identifiers: ClinVar variation 922699 (VCV000922699.11), dbSNP rs1909897947, ClinGen allele CA1139666067.
Genomic context (GRCh38, chr18:51,058,321, plus strand): 5'-AAAAATCTTTTAAATAGTTGAGAAAAAAGTAGGCAGCCTTTATAAAAGCAAATTAACCCA[T>C]GTGGGCCTTAATTTTTAGACAGCACTACCACCTGGACTGGAAGTAGGACTGCACCATACA-3'